The following is an entry in ClinVar:

NC_000016.9:g.(?_180501)_(188286_?)dup

Genes: HBA-LCR (alpha-globin locus control region; plus strand), NPRL3 (NPR3 like, GATOR1 complex subunit; minus strand). Cytogenetic location: 16p13.3.
Variant type: Duplication.
Identifiers: ClinVar variation 641549 (VCV000641549.2).

ClinVar aggregate classification (germline): Uncertain significance (1 of 4 stars; one submission).

Conditions:
Epilepsy, familial focal, with variable foci 3 (FFEVF3). Identifiers: MedGen C4310708, MONDO:0014925, OMIM 617118.

Submission:

Labcorp Genetics (formerly Invitae), Labcorp
Classification: Uncertain significance for Epilepsy, familial focal, with variable foci 3. Last evaluated: 2019-12-12. Review status: criteria provided, single submitter. Criteria: Invitae Variant Classification Sherloc (09022015). Collection method: clinical testing. Allele origin: germline.
Comment: This variant results in a copy number gain of the genomic region encompassing exons 2-3 of the NPRL3 gene. The 5' end of this event is unknown as it extends beyond the assayed region for this gene and therefore may encompass additional genes. The 3' boundary is likely confined to intron 3 of the NPRL3 gene. As the precise location of this event is unknown, it may be in tandem or it may be located elsewhere in the genome. This variant has not been reported in the literature in individuals with NPRL3-related conditions. In summary, the available evidence is currently insufficient to determine the role of this variant in disease. Therefore, it has been classified as a Variant of Uncertain Significance.